The following is an entry in ClinVar:

ClinVar aggregate classification (germline): Likely benign. Review status: criteria provided, multiple submitters, no conflicts (2 of 4 stars). 2 submissions from 2 submitters: Likely benign (2). Last evaluated 2025-01-22.

Conditions:
Familial cancer of breast. Also called: hereditary breast carcinoma; Hereditary breast cancer; BREAST CANCER, FAMILIAL. Identifiers: Orphanet 227535, MedGen C0346153, MONDO:0016419, OMIM 114480. Disease mechanism: loss of function.

Submissions (2):

Myriad Genetics, Inc.
Classification: Likely benign for Familial cancer of breast. Last evaluated: 2025-01-22. Review status: criteria provided, single submitter. Criteria: Myriad Autosomal Dominant, Autosomal Recessive and X-Linked Classification Criteria (2023). Collection method: clinical testing. Allele origin: unknown.
Comment: This variant is considered likely benign. This variant is intronic and is not expected to impact mRNA splicing.

Labcorp Genetics (formerly Invitae), Labcorp
Classification: Likely benign for Familial cancer of breast. Last evaluated: 2024-02-08. Review status: criteria provided, single submitter. Criteria: Invitae Variant Classification Sherloc (09022015). Collection method: clinical testing. Allele origin: germline.

NM_024675.4(PALB2):c.3351-12G>A

Gene: PALB2 (partner and localizer of BRCA2; minus strand). Cytogenetic location: 16p12.2.
Variant type: single nucleotide variant.
Coding change: c.3351-12G>A on transcript NM_024675.4 (MANE Select); 12 bases into the intron before coding-DNA position 3351, G replaced by A.
Molecular consequence: intron variant.
Genome position (GRCh38, 1-based): chr16:23,603,681, C>T on the plus strand (G>A on the coding strand, the complement: PALB2 is on the minus strand). VCF-style: chr16-23603681-C-T. GRCh37 (hg19) VCF-style: chr16-23615002-C-T.
Other names: c.2229-12G>A (NM_001407308.1, NM_001407309.1); c.2466-12G>A (NM_001407306.1, NM_001407305.1, NM_001407304.1); c.885-12G>A (NM_001407314.1); c.1414-12G>A (NM_001407313.1); c.1563-12G>A (NM_001407312.1); c.3291-12G>A (NM_001407296.1); c.3279-12G>A (NM_001407297.1); c.3040-12G>A (NM_001407302.1); and 6 more.
Identifiers: ClinVar variation 3639667 (VCV003639667.3).